The following is an entry in ClinVar:

NC_000017.10:g.(78075690_78078353)_(78093681_?)dup

Gene: GAA (alpha glucosidase; plus strand). Cytogenetic location: 17q25.3.
Variant type: Duplication.
Identifiers: ClinVar variation 4853278 (VCV004853278.1).

ClinVar aggregate classification (germline): Uncertain significance (1 of 4 stars; one submission).

Submission:

Women's Health and Genetics/Laboratory Corporation of America, LabCorp
Classification: Uncertain significance. Last evaluated: 2026-05-12. Review status: criteria provided, single submitter. Criteria: LabCorp Variant Classification Summary - May 2015. Collection method: clinical testing. Allele origin: germline.
Comment: Variant summary: The variant involves the duplication of exons 2-20 in the GAA gene. A presumed nomenclature of c.(-33+1_-32-1)_(*551_?)dup has been designated for the purposes of this classification. This duplication includes the entire coding sequence of the gene. As exact breakpoints are unknown, it may extend beyond the annotated region of the gene, to include other flanking genes. The variant was absent in 21694 control chromosomes. The available data on variant occurrences in the general population are insufficient to allow any conclusion about variant significance. To our knowledge, no occurrence of c.(-33+1_-32-1)_(*551_?)dup in individuals affected with GAA-related conditions and no experimental evidence demonstrating its impact on protein function have been reported. ClinVar contains an entry for this variant (Variation ID: 647475). Based on the evidence outlined above, the variant was classified as uncertain significance.